The following is an entry in ClinVar:

ClinVar aggregate classification (germline): Uncertain significance (1 of 4 stars; one submission).

Allele frequency attached by ClinVar (database versions not stated): gnomAD 0.00001; TOPMed 0.00001; gnomAD exomes 0.00002; ExAC 0.00003.
gnomAD v4.1: 15 of 1,613,124 alleles (0.00093%); highest among the groups gnomAD compares: Admixed American, 0.0017%; no homozygotes.

Submission:

Laboratory for Molecular Medicine, Mass General Brigham Personalized Medicine
Classification: Uncertain significance. Last evaluated: 2015-01-22. Review status: criteria provided, single submitter. Criteria: LMM Criteria. Collection method: clinical testing. Allele origin: germline. Observed: 1 variant allele.
Comment: The p.Arg492Ser variant in USH1C has not been previously reported in individuals with hearing loss, but has been identified in 3/66362 European chromosomes by t he Exome Aggregation Consortium (ExAC). Computat ional prediction tools and conservation analyses do not provide strong support f or or against an impact to the protein. In summary, the clinical significance of the p.Arg492Ser variant is uncertain.

NM_153676.4(USH1C):c.1476G>T (p.Arg492Ser)

Gene: USH1C (USH1 protein network component harmonin; minus strand). Cytogenetic location: 11p15.1.
Variant type: single nucleotide variant.
Coding change: c.1476G>T on transcript NM_153676.4 (MANE Select); coding-DNA position 1476, G replaced by T.
Protein change: p.Arg492Ser; replaces arginine 492 with serine.
Molecular consequence: missense variant. On other transcripts: intron variant (2).
Genome position (GRCh38, 1-based): chr11:17,510,459, C>A on the plus strand (G>T on the coding strand, the complement: USH1C is on the minus strand). VCF-style: chr11-17510459-C-A. GRCh37 (hg19) VCF-style: chr11-17532006-C-A.
Other names: c.1227+6942G>T (NM_001297764.2); c.1284+6942G>T (NM_005709.4); short protein forms R492S.
Identifiers: ClinVar variation 229600 (VCV000229600.5), dbSNP rs765918184, ClinGen allele CA5904542.